The following is an entry in ClinVar:

NM_024757.5(EHMT1):c.824C>G (p.Ala275Gly)

Gene: EHMT1 (euchromatic histone lysine methyltransferase 1; plus strand). Cytogenetic location: 9q34.3.
Variant type: single nucleotide variant.
Coding change: c.824C>G on transcript NM_024757.5 (MANE Select); coding-DNA position 824, C replaced by G.
Protein change: p.Ala275Gly; replaces alanine 275 with glycine.
Molecular consequence: missense variant. On other transcripts: intron variant (1).
Genome position (GRCh38, 1-based): chr9:137,743,371, C>G. VCF-style: chr9-137743371-C-G. GRCh37 (hg19) VCF-style: chr9-140637823-C-G.
Other names: c.824C>G, p.Ala275Gly (NM_001145527.2, NM_001354611.2); c.731C>G, p.Ala244Gly (NM_001354259.2, NM_001354612.2); c.824-21C>G (NM_001354263.2); short protein forms A244G, A275G.
Identifiers: ClinVar variation 982807 (VCV000982807.7), dbSNP rs772558779, ClinGen allele CA375777451.

ClinVar aggregate classification (germline): Uncertain significance. Review status: criteria provided, multiple submitters, no conflicts (2 of 4 stars). 3 submissions from 3 submitters: Uncertain significance (3). Last evaluated 2022-02-22.

Conditions:
Kleefstra syndrome 1 (KLEFS1). Identifiers: Orphanet 261494, MedGen C0795833, MONDO:0027407, OMIM 610253.

gnomAD v4.1: 3 of 1,518,894 alleles (0.0002%); highest among the groups gnomAD compares: Non-Finnish European, 0.00026%; no homozygotes.

Submissions (3):

Labcorp Genetics (formerly Invitae), Labcorp
Classification: Uncertain significance for Kleefstra syndrome 1. Last evaluated: 2022-02-22. Review status: criteria provided, single submitter. Criteria: Invitae Variant Classification Sherloc (09022015). Collection method: clinical testing. Allele origin: germline.
Comment: This sequence change replaces alanine, which is neutral and non-polar, with glycine, which is neutral and non-polar, at codon 275 of the EHMT1 protein (p.Ala275Gly). In summary, the available evidence is currently insufficient to determine the role of this variant in disease. Therefore, it has been classified as a Variant of Uncertain Significance. Algorithms developed to predict the effect of sequence changes on RNA splicing suggest that this variant may disrupt the consensus splice site. Algorithms developed to predict the effect of missense changes on protein structure and function (SIFT, PolyPhen-2, Align-GVGD) all suggest that this variant is likely to be tolerated. ClinVar contains an entry for this variant (Variation ID: 982807). This variant has not been reported in the literature in individuals affected with EHMT1-related conditions. This variant is not present in population databases (gnomAD no frequency).

Institute of Human Genetics, University of Leipzig Medical Center
Classification: Uncertain significance for Kleefstra syndrome 1. Last evaluated: 2019-01-01. Review status: criteria provided, single submitter. Criteria: ACMG Guidelines, 2015. Collection method: clinical testing. Allele origin: unknown. Affected: yes.

Breakthrough Genomics
Classification: Uncertain significance. Review status: criteria provided, single submitter. Criteria: ACMG Guidelines, 2015. Collection method: not provided. Allele origin: germline. Inheritance: Autosomal dominant inheritance. Affected: yes.